The following is an entry in ClinVar:

NM_002016.2(FLG):c.7618C>T (p.Arg2540Trp)

Genes: CCDST (cervical cancer associated DHX9 suppressive transcript; plus strand), FLG (filaggrin; minus strand). Cytogenetic location: 1q21.3.
Variant type: single nucleotide variant.
Coding change: c.7618C>T on transcript NM_002016.2 (MANE Select); coding-DNA position 7618, C replaced by T.
Protein change: p.Arg2540Trp; replaces arginine 2540 with tryptophan.
Molecular consequence: missense variant.
Genome position (GRCh38, 1-based): chr1:152,307,268, G>A on the plus strand (C>T on the coding strand, the complement: FLG is on the minus strand). VCF-style: chr1-152307268-G-A. GRCh37 (hg19) VCF-style: chr1-152279744-G-A.
Other names: short protein forms R2540W.
Identifiers: ClinVar variation 4280929 (VCV004280929.7).

ClinVar aggregate classification (germline): Benign (1 of 4 stars; one submission).

gnomAD v4.1: 1,039 of 1,613,022 alleles (0.064%); highest among the groups gnomAD compares: South Asian, 1%; 16 homozygotes.

Submission:

CeGaT Center for Human Genetics Tuebingen
Classification: Benign. Last evaluated: 2025-09-01. Review status: criteria provided, single submitter. Criteria: CeGaT Center For Human Genetics Tuebingen Variant Classification Criteria Version 2. Collection method: clinical testing. Allele origin: germline. Affected: yes. Observed: 1 variant allele.
Comment: FLG: BP4, BS1, BS2